The following is an entry in ClinVar:

NM_001267550.2(TTN):c.99865+1G>A

Genes: TTN (titin; minus strand), TTN-AS1 (TTN antisense RNA 1; plus strand), LOC126806420 (BRD4-independent group 4 enhancer GRCh37_chr2:179401104-179402303; plus strand). Cytogenetic location: 2q31.2.
Variant type: single nucleotide variant.
Coding change: c.99865+1G>A on transcript NM_001267550.2 (MANE Select); the canonical splice donor site of the intron after coding-DNA position 99865, G replaced by A.
Molecular consequence: splice donor variant.
Genome position (GRCh38, 1-based): chr2:178,537,341, C>T on the plus strand (G>A on the coding strand, the complement: TTN is on the minus strand). VCF-style: chr2-178537341-C-T. GRCh37 (hg19) VCF-style: chr2-179402068-C-T.
Other names: c.72670+1G>A (NM_003319.4); c.73246+1G>A (NM_133437.4); c.73045+1G>A (NM_133432.3); c.92161+1G>A (NM_133378.4); c.94942+1G>A (NM_001256850.1).
Identifiers: ClinVar variation 3345912 (VCV003345912.1).

ClinVar aggregate classification (germline): Likely pathogenic (0 of 4 stars; one submission).

Conditions:
TTN-related disorder. Also called: TTN-related disorders; TTN-related condition; TTN-related disease.

Submission:

PreventionGenetics, part of Exact Sciences
Classification: Likely pathogenic for TTN-related condition. Last evaluated: 2024-08-29. Review status: no assertion criteria provided. Collection method: clinical testing. Allele origin: germline.
Comment: The TTN c.99865+1G>A variant is predicted to disrupt the GT donor site and interfere with normal splicing. To our knowledge, this variant has not been reported in the literature or in a large population database, indicating this variant is rare. This variant is predicted to cause exon skipping and result in an in-frame deletion of 192 amino acid residues. This variant is located in the A-band region of the TTN protein in which truncating TTN variants have been found more frequently in dilated cardiomyopathy patients than in controls (Herman et al. 2012. PubMed ID: 22335739). RNAseq studies from heart tissue indicate this exon is commonly included in TTN mRNA transcripts (PSI of 100%); however, this analysis in muscle tissue was not performed (Roberts et al. 2015. PMID: 25589632). A nearby variant, c.99865+3A>T, has been reported in the compound heterozygous state in an individual with limb-girdle muscular dystrophy (described as c.92161+3A>T, Tian et al. 2015. PubMed ID: 27066551). TTN truncating variants are reported in 1-2% of presumably healthy individuals and occur more frequently in exons with low PSI values, indicating this variant is more likely to be disease causing (Herman et al. 2012. PMID: 22335739; Roberts et al. 2015. PMID: 25589632). In summary, the c.99865+1G>A variant is interpreted as likely pathogenic for increased risk of TTN-related cardiac disorders and also for autosomal recessive severe congenital titinopathies.